The following is an entry in ClinVar:

NM_005472.5(KCNE3):c.248G>A (p.Arg83His)

Genes: KCNE3 (potassium voltage-gated channel subfamily E regulatory subunit 3; minus strand), LIPT2 (lipoyl(octanoyl) transferase 2; minus strand). Cytogenetic location: 11q13.4.
Variant type: single nucleotide variant.
Coding change: c.248G>A on transcript NM_005472.5 (MANE Select); coding-DNA position 248, G replaced by A.
Protein change: p.Arg83His; replaces arginine 83 with histidine.
Molecular consequence: missense variant.
Genome position (GRCh38, 1-based): chr11:74,457,316, C>T on the plus strand (G>A on the coding strand, the complement: KCNE3 is on the minus strand). VCF-style: chr11-74457316-C-T. GRCh37 (hg19) VCF-style: chr11-74168361-C-T.
Other names: p.R83H:CGC>CAC; short protein forms R83H.
Identifiers: ClinVar variation 5541 (VCV000005541.83), dbSNP rs17215437, ClinGen allele CA199956.

ClinVar aggregate classification (germline): Conflicting classifications of pathogenicity. Review status: criteria provided, conflicting classifications (1 of 4 stars). 18 submissions from 17 submitters: Uncertain significance (5); Benign (5); Likely benign (5). 3 of the submissions do not count toward it. Last evaluated 2026-06-01.

Conditions:
Cardiovascular phenotype. Identifiers: MedGen CN230736.
Encephalopathy, neonatal severe, with lactic acidosis and brain abnormalities (NELABA). Also called: LIPOYLTRANSFERASE 2 DEFICIENCY; Lipoyl transferase 2 deficiency. Identifiers: Orphanet 447795, MedGen C5681203, MONDO:0060562, OMIM 617668.
Cardiomyopathy (CMYO). Also called: Cardiomyopathies. Identifiers: Orphanet 167848, MedGen C0878544, MONDO:0004994, HP:0001638. Inheritance: Various modes of inheritance.
Brugada syndrome 6 (BRGDA6). Identifiers: Orphanet 130, MedGen C2751089, MONDO:0013145, OMIM 613119.
Periodic paralysis. Identifiers: Orphanet 206976, MedGen C1279412, MONDO:0016122, HP:0003768.
Ventricular fibrillation. Identifiers: MedGen C0042510, MONDO:0000190, HP:0001663.
Syncope. Also called: fainting. Identifiers: MedGen C0039070, HP:0001279.

Allele frequency attached by ClinVar (database versions not stated): 1000 Genomes Project 0.00100; 1000 Genomes Project 30x 0.00109; ExAC 0.00297; gnomAD exomes 0.00300; gnomAD 0.00338; TOPMed 0.00388.
gnomAD v4.1: 7,692 of 1,614,148 alleles (0.48%); highest among the groups gnomAD compares: Non-Finnish European, 0.59%; 33 homozygotes.

Submissions (18):

CeGaT Center for Human Genetics Tuebingen
Classification: Benign. Last evaluated: 2026-06-01. Review status: criteria provided, single submitter. Criteria: CeGaT Center For Human Genetics Tuebingen Variant Classification Criteria Version 2. Collection method: clinical testing. Allele origin: germline. Affected: yes. Observed: 4 variant alleles.
Comment: KCNE3: BS1, BS2

Labcorp Genetics (formerly Invitae), Labcorp
Classification: Benign for Brugada syndrome 6. Last evaluated: 2026-01-28. Review status: criteria provided, single submitter. Criteria: Invitae Variant Classification Sherloc (09022015). Collection method: clinical testing. Allele origin: germline.

Women's Health and Genetics/Laboratory Corporation of America, LabCorp
Classification: Likely benign. Last evaluated: 2024-01-01. Review status: criteria provided, single submitter. Criteria: LabCorp Variant Classification Summary - May 2015. Collection method: clinical testing. Allele origin: germline.

ARUP Laboratories, Molecular Genetics and Genomics, ARUP Laboratories
Classification: Likely benign for Brugada syndrome 6. Last evaluated: 2023-10-03. Review status: criteria provided, single submitter. Criteria: ARUP Molecular Germline Variant Investigation Process 2024. Collection method: clinical testing. Allele origin: germline.

Mayo Clinic Laboratories, Mayo Clinic
Classification: Uncertain significance. Last evaluated: 2020-07-15. Review status: criteria provided, single submitter. Criteria: ACMG Guidelines, 2015. Collection method: clinical testing. Allele origin: germline. Observed: 1 variant allele.

Mendelics
Classification: Benign for Encephalopathy, neonatal severe, with lactic acidosis and brain abnormalities. Last evaluated: 2019-05-28. Review status: criteria provided, single submitter. Criteria: Mendelics Assertion Criteria 2017. Collection method: clinical testing. Allele origin: unknown.

Center for Advanced Laboratory Medicine, UC San Diego Health, University of California San Diego
Classification: Likely benign for Cardiomyopathy. Last evaluated: 2019-01-10. Review status: criteria provided, single submitter. Criteria: ACMG Guidelines, 2015. Collection method: clinical testing. Allele origin: germline. Affected: yes. Observed: 2 variant alleles.

GeneDx
Classification: Benign. Last evaluated: 2018-07-13. Review status: criteria provided, single submitter. Criteria: GeneDx Variant Classification Process June 2021. Collection method: clinical testing. Allele origin: germline. Affected: yes.
Comment: This variant is associated with the following publications: (PMID: none, 11207363, 11874988, 24055113, 12414843, 14504341, 15037716, 20051516)

Ambry Genetics
Classification: Likely benign for Cardiovascular phenotype. Last evaluated: 2018-05-11. Review status: criteria provided, single submitter. Criteria: Ambry Variant Classification Scheme 2023. Collection method: clinical testing. Allele origin: germline.

Laboratory for Molecular Medicine, Mass General Brigham Personalized Medicine
Classification: Uncertain significance. Last evaluated: 2016-03-29. Review status: criteria provided, single submitter. Criteria: LMM Criteria. Collection method: clinical testing. Allele origin: germline.
Comment: Variant identified in a genome or exome case(s) and assessed due to predicted null impact of the variant or pathogenic assertions in the literature or databases. Disclaimer: This variant has not undergone full assessment. The following are preliminary notes: Several pubs, including possible segs and functional studies, but frequency is too high for disease and wrong phenotype. ExAC: 0.4% (289/66352) European chromosomes

Centre for Mendelian Genomics, University Medical Centre Ljubljana
Classification: Uncertain significance for Brugada syndrome 6. Last evaluated: 2016-01-01. Review status: criteria provided, single submitter. Criteria: ACMG Guidelines, 2015. Collection method: clinical testing. Allele origin: unknown. Affected: yes.
Comment: This variant was classified as: Uncertain significance.

Genome Diagnostics Laboratory, University Medical Center Utrecht
Classification: Likely benign for Brugada syndrome 6. Last evaluated: 2014-10-09. Review status: criteria provided, single submitter. Criteria: ACGS Guidelines, 2013. Collection method: clinical testing. Allele origin: germline. Affected: yes. Study: VKGL Data-share Consensus.

Centre for Mendelian Genomics, University Medical Centre Ljubljana
Classification: Uncertain significance for Syncope; Ventricular fibrillation. Last evaluated: 2014-07-03. Review status: criteria provided, single submitter. Criteria: ACMG Guidelines, 2015. Collection method: clinical testing. Allele origin: unknown. Affected: yes.

Biesecker Lab/Clinical Genomics Section, National Institutes of Health
Classification: Benign for Periodic paralysis. Last evaluated: 2013-06-24. Review status: criteria provided, single submitter. Criteria: Ng et al. (Circ Cardiovasc Genet. 2013). Collection method: research. Allele origin: unknown. Observed: 12 variant alleles. Study: ClinSeq.
Comment: The study set was not selected for affection status in relation to any cancer. Pathogenicity categories were based on literature curation. See Pubmed ID:23861362 for details.

Medical sequencing

Stanford Center for Inherited Cardiovascular Disease, Stanford University
Classification: Uncertain significance. Last evaluated: 2012-12-11. Review status: criteria provided, single submitter. Criteria: ACMG Guidelines, 2015. Collection method: provider interpretation. Allele origin: germline.

OMIM
Classification: Uncertain significance for RECLASSIFIED - VARIANT OF UNKNOWN SIGNIFICANCE. Last evaluated: 2007-04-01. Review status: no assertion criteria provided. Collection method: literature only. Allele origin: germline. Not counted in ClinVar's aggregate classification.

Clinical Genetics, Academic Medical Center
Classification: Benign. Review status: no assertion criteria provided. Collection method: clinical testing. Allele origin: germline. Affected: yes. Study: VKGL Data-share Consensus. Not counted in ClinVar's aggregate classification.

Joint Genome Diagnostic Labs from Nijmegen and Maastricht, Radboudumc and MUMC+
Classification: Likely benign. Review status: no assertion criteria provided. Collection method: clinical testing. Allele origin: germline. Affected: yes. Study: VKGL Data-share Consensus. Not counted in ClinVar's aggregate classification.

Literature cited by the submitters: PubMed 11207363 (cited by OMIM); PubMed 12414843 (cited by OMIM); PubMed 14504341 (cited by OMIM); PubMed 15037716 (cited by OMIM); PubMed 16449802 (cited by OMIM); PubMed 15212652 (cited by OMIM); PubMed 17395131 (cited by OMIM).